The following is an entry in ClinVar:

ClinVar aggregate classification (germline): Uncertain significance. Review status: criteria provided, multiple submitters, no conflicts (2 of 4 stars). 2 submissions from 2 submitters: Uncertain significance (2). Last evaluated 2025-06-29.

Conditions:
Inborn genetic diseases. Identifiers: MedGen C0950123, MeSH D030342.

Allele frequency attached by ClinVar (database versions not stated): TOPMed 0.00003; gnomAD 0.00005; ExAC 0.00006; gnomAD exomes 0.00006 and 0.00012.
gnomAD v4.1: 174 of 1,608,412 alleles (0.011%); highest among the groups gnomAD compares: Non-Finnish European, 0.014%; no homozygotes.

Submissions (2):

Ambry Genetics
Classification: Uncertain significance for Inborn genetic diseases. Last evaluated: 2025-06-29. Review status: criteria provided, single submitter. Criteria: Ambry Variant Classification Scheme 2023. Collection method: clinical testing. Allele origin: germline.

Labcorp Genetics (formerly Invitae), Labcorp
Classification: Uncertain significance. Last evaluated: 2022-08-03. Review status: criteria provided, single submitter. Criteria: Invitae Variant Classification Sherloc (09022015). Collection method: clinical testing. Allele origin: germline.
Comment: This sequence change replaces serine, which is neutral and polar, with leucine, which is neutral and non-polar, at codon 779 of the PNPT1 protein (p.Ser779Leu). This variant is present in population databases (rs201880461, gnomAD 0.01%). This variant has not been reported in the literature in individuals affected with PNPT1-related conditions. ClinVar contains an entry for this variant (Variation ID: 1476968). Algorithms developed to predict the effect of missense changes on protein structure and function are either unavailable or do not agree on the potential impact of this missense change (SIFT: "Deleterious"; PolyPhen-2: "Benign"; Align-GVGD: "Class C0"). In summary, the available evidence is currently insufficient to determine the role of this variant in disease. Therefore, it has been classified as a Variant of Uncertain Significance.

NM_033109.5(PNPT1):c.2336C>T (p.Ser779Leu)

Gene: PNPT1 (polyribonucleotide nucleotidyltransferase 1; minus strand). Cytogenetic location: 2p16.1.
Variant type: single nucleotide variant.
Coding change: c.2336C>T on transcript NM_033109.5 (MANE Select); coding-DNA position 2336, C replaced by T.
Protein change: p.Ser779Leu; replaces serine 779 with leucine.
Molecular consequence: missense variant.
Genome position (GRCh38, 1-based): chr2:55,636,253, G>A on the plus strand (C>T on the coding strand, the complement: PNPT1 is on the minus strand). VCF-style: chr2-55636253-G-A. GRCh37 (hg19) VCF-style: chr2-55863388-G-A.
Other names: c.2336C>T (NM_033109.3); short protein forms S779L.
Identifiers: ClinVar variation 1476968 (VCV001476968.4), dbSNP rs201880461, ClinGen allele CA1667716.